The following is an entry in ClinVar:

ClinVar aggregate classification (germline): Uncertain significance (1 of 4 stars; one submission).

Conditions:
Developmental and epileptic encephalopathy, 53. Also called: Epileptic encephalopathy, early infantile, 53. Identifiers: MedGen C4479313, MONDO:0033362, OMIM 617389.
Early-onset Parkinson disease 20. Also called: PARKINSON DISEASE 20, AUTOSOMAL RECESSIVE EARLY-ONSET. Identifiers: Orphanet 391411, MedGen C3809824, MONDO:0014233, OMIM 615530.

Submission:

Labcorp Genetics (formerly Invitae), Labcorp
Classification: Uncertain significance for Developmental and epileptic encephalopathy, 53; Early-onset Parkinson disease 20. Last evaluated: 2021-06-06. Review status: criteria provided, single submitter. Criteria: Invitae Variant Classification Sherloc (09022015). Collection method: clinical testing. Allele origin: germline.
Comment: This variant is not present in population databases (ExAC no frequency). This sequence change replaces glutamic acid with glycine at codon 1261 of the SYNJ1 protein (p.Glu1261Gly). The glutamic acid residue is moderately conserved and there is a moderate physicochemical difference between glutamic acid and glycine. Algorithms developed to predict the effect of missense changes on protein structure and function are either unavailable or do not agree on the potential impact of this missense change (SIFT: "Deleterious"; PolyPhen-2: "Possibly Damaging"; Align-GVGD: "Class C0"). In summary, the available evidence is currently insufficient to determine the role of this variant in disease. Therefore, it has been classified as a Variant of Uncertain Significance. This variant has not been reported in the literature in individuals with SYNJ1-related conditions.

NM_203446.3(SYNJ1):c.3665A>G (p.Glu1222Gly)

Gene: SYNJ1 (synaptojanin 1; minus strand). Cytogenetic location: 21q22.11.
Variant type: single nucleotide variant.
Coding change: c.3665A>G on transcript NM_203446.3 (MANE Select); coding-DNA position 3665, A replaced by G.
Protein change: p.Glu1222Gly; replaces glutamic acid 1222 with glycine.
Molecular consequence: missense variant.
Genome position (GRCh38, 1-based): chr21:32,639,703, T>C on the plus strand (A>G on the coding strand, the complement: SYNJ1 is on the minus strand). VCF-style: chr21-32639703-T-C. GRCh37 (hg19) VCF-style: chr21-34012013-T-C.
Other names: c.3617A>G, p.Glu1206Gly (NM_001160302.2); c.3524A>G, p.Glu1175Gly (NM_001160306.2); c.3782A>G, p.Glu1261Gly (NM_003895.4); short protein forms E1175G, E1206G, E1222G, E1261G.
Identifiers: ClinVar variation 1446054 (VCV001446054.8), dbSNP rs2145725689, ClinGen allele CA410087710.